The following is an entry in ClinVar:

ClinVar aggregate classification (germline): Likely benign. Review status: criteria provided, multiple submitters, no conflicts (2 of 4 stars). 4 submissions from 4 submitters: Likely benign (3). 1 of the submissions does not count toward it. Last evaluated 2026-01-23.

Conditions:
NLRP1-related disorder. Also called: NLRP1-related condition.

Allele frequency attached by ClinVar (database versions not stated): gnomAD 0.00006 and 0.00007; gnomAD exomes 0.00006; ExAC 0.00007; TOPMed 0.00009.
gnomAD v4.1: 246 of 1,613,990 alleles (0.015%); highest among the groups gnomAD compares: Non-Finnish European, 0.019%; no homozygotes.

Submissions (4):

Labcorp Genetics (formerly Invitae), Labcorp
Classification: Likely benign. Last evaluated: 2026-01-23. Review status: criteria provided, single submitter. Criteria: Invitae Variant Classification Sherloc (09022015). Collection method: clinical testing. Allele origin: germline.

Blueprint Genetics
Classification: Likely benign. Last evaluated: 2024-11-01. Review status: criteria provided, single submitter. Criteria: ACMG Guidelines, 2015. Collection method: clinical testing. Allele origin: germline.

CeGaT Center for Human Genetics Tuebingen
Classification: Likely benign. Last evaluated: 2023-09-01. Review status: criteria provided, single submitter. Criteria: CeGaT Center For Human Genetics Tuebingen Variant Classification Criteria Version 2. Collection method: clinical testing. Allele origin: germline. Affected: yes. Observed: 2 variant alleles.
Comment: NLRP1: BP4, BP7

PreventionGenetics, part of Exact Sciences
Classification: Likely benign for NLRP1-related condition. Last evaluated: 2019-10-08. Review status: no assertion criteria provided. Collection method: clinical testing. Allele origin: germline. Not counted in ClinVar's aggregate classification.
Comment: This variant is classified as likely benign based on ACMG/AMP sequence variant interpretation guidelines (Richards et al. 2015 PMID: 25741868, with internal and published modifications).

NM_033004.4(NLRP1):c.375G>A (p.Pro125=)

Gene: NLRP1 (NLR family pyrin domain containing 1; minus strand). Cytogenetic location: 17p13.2.
Variant type: single nucleotide variant.
Coding change: c.375G>A on transcript NM_033004.4 (MANE Select); coding-DNA position 375, G replaced by A.
Protein change: p.Pro125=; no amino-acid change (proline 125 retained).
Molecular consequence: synonymous variant.
Genome position (GRCh38, 1-based): chr17:5,582,743, C>T on the plus strand (G>A on the coding strand, the complement: NLRP1 is on the minus strand). VCF-style: chr17-5582743-C-T. GRCh37 (hg19) VCF-style: chr17-5486063-C-T.
Other names: c.375G>A, p.Pro125= (NM_001033053.3, NM_014922.5, NM_033006.4 and 1 more transcripts); c.375G>A (NM_033004.3).
Identifiers: ClinVar variation 1052274 (VCV001052274.32), dbSNP rs199569933, ClinGen allele CA8327593.